The following is an entry in ClinVar:

ClinVar aggregate classification (germline): Likely benign. Review status: criteria provided, multiple submitters, no conflicts (2 of 4 stars). 2 submissions from 2 submitters: Likely benign (2). Last evaluated 2025-08-01.

Conditions:
Hereditary cancer-predisposing syndrome. Also called: Neoplastic Syndromes, Hereditary; Tumor predisposition; Hereditary Cancer Syndrome; Hereditary neoplastic syndrome. Identifiers: Orphanet 140162, MedGen C0027672, MeSH D009386, MONDO:0015356.

Submissions (2):

CeGaT Center for Human Genetics Tuebingen
Classification: Likely benign. Last evaluated: 2025-08-01. Review status: criteria provided, single submitter. Criteria: CeGaT Center For Human Genetics Tuebingen Variant Classification Criteria Version 2. Collection method: clinical testing. Allele origin: germline. Affected: yes. Observed: 1 variant allele.
Comment: SMARCA4: PM2:Supporting, BP4, BP7

Ambry Genetics
Classification: Likely benign for Hereditary cancer-predisposing syndrome. Last evaluated: 2025-02-17. Review status: criteria provided, single submitter. Criteria: Ambry Variant Classification Scheme 2023. Collection method: clinical testing. Allele origin: germline.

NM_003072.5(SMARCA4):c.4116C>T (p.Arg1372=)

Gene: SMARCA4 (SWI/SNF related BAF chromatin remodeling complex subunit ATPase 4; plus strand). Cytogenetic location: 19p13.2.
Variant type: single nucleotide variant.
Coding change: c.4116C>T on transcript NM_003072.5 (MANE Select); coding-DNA position 4116, C replaced by T.
Protein change: p.Arg1372=; no amino-acid change (arginine 1372 retained).
Molecular consequence: synonymous variant. On other transcripts: non-coding transcript variant (1).
Genome position (GRCh38, 1-based): chr19:11,035,078, C>T. VCF-style: chr19-11035078-C-T. GRCh37 (hg19) VCF-style: chr19-11145754-C-T.
Other names: c.4116C>T, p.Arg1372= (NM_001128844.3, NM_001128849.3, NM_001387283.1); c.4017C>T, p.Arg1339= (NM_001128845.2, NM_001128846.2, NM_001128847.4 and 3 more transcripts).
Identifiers: ClinVar variation 3798921 (VCV003798921.9).